The following is an entry in ClinVar:

ClinVar aggregate classification (germline): Uncertain significance (1 of 4 stars; one submission).

Submission:

Ambry Genetics
Classification: Uncertain significance. Last evaluated: 2024-07-09. Review status: criteria provided, single submitter. Criteria: Ambry Variant Classification Scheme 2023. Collection method: clinical testing. Allele origin: germline.
Comment: The p.F673L variant (also known as c.2017T>C), located in coding exon 13 of the NPAT gene, results from a T to C substitution at nucleotide position 2017. The phenylalanine at codon 673 is replaced by leucine, an amino acid with highly similar properties. This amino acid position is conserved. In addition, this alteration is predicted to be tolerated by in silico analysis. Based on the available evidence, the clinical significance of this variant remains unclear.

NM_002519.3(NPAT):c.2017T>C (p.Phe673Leu)

Gene: NPAT (nuclear protein, coactivator of histone transcription; minus strand). Cytogenetic location: 11q22.3.
Variant type: single nucleotide variant.
Coding change: c.2017T>C on transcript NM_002519.3 (MANE Select); coding-DNA position 2017, T replaced by C.
Protein change: p.Phe673Leu; replaces phenylalanine 673 with leucine.
Molecular consequence: missense variant.
Genome position (GRCh38, 1-based): chr11:108,172,967, A>G on the plus strand (T>C on the coding strand, the complement: NPAT is on the minus strand). VCF-style: chr11-108172967-A-G. GRCh37 (hg19) VCF-style: chr11-108043694-A-G.
Other names: c.2017T>C, p.Phe673Leu (NM_001321307.1); short protein forms F673L.
Identifiers: ClinVar variation 3407171 (VCV003407171.1).